The following is an entry in ClinVar:

ClinVar aggregate classification (germline): Pathogenic. Review status: criteria provided, multiple submitters, no conflicts (2 of 4 stars). 7 submissions from 7 submitters: Pathogenic (7). Last evaluated 2025-06-03.

Conditions:
EYS-related disorder. Also called: EYS-related condition.
Retinitis pigmentosa 25 (RP25). Identifiers: Orphanet 791, MedGen C1864446, MONDO:0011272, OMIM 602772.

Submissions (7):

PreventionGenetics, part of Exact Sciences
Classification: Pathogenic for EYS-related condition. Last evaluated: 2025-06-03. Review status: criteria provided, single submitter. Criteria: ACMG Guidelines, 2015. Collection method: clinical testing. Allele origin: germline.
Comment: The EYS c.8408dupA variant is predicted to result in a frameshift and premature protein termination (p.Asn2803Lysfs*9). This variant was reported in individuals with retinal disease (see, for example, supplementary data, Glöckle et al. 2014. PubMed ID: 23591405; supplementary data, Weisschuh et al. 2020. PubMed ID: 32531858). This variant is reported in 0.012% of alleles in individuals of African descent in gnomAD. Frameshift variants in EYS are expected to be pathogenic. This variant is interpreted as pathogenic.

Natera, Inc.
Classification: Pathogenic for Retinitis pigmentosa type 25. Last evaluated: 2025-02-17. Review status: criteria provided, single submitter. Criteria: Natera Variant Classification Schema (03/2026). Collection method: clinical testing. Allele origin: germline.
Comment: The c.8408dupA variant in EYS is a frameshift variant predicted to shift the reading frame beginning at codon 2803 and leads to a stop codon 9 codons downstream. This variant is expected to result in nonsense mediated decay, truncation, or a dysfunctional protein product. This variant is rare in the general population with a frequency below the threshold expected for the associated phenotype(s). This variant has been observed in one or more individuals affected with the associated recessive disease, as either homozygous or compound heterozygous with a second variant (PMID: 32531858, 28704921). Given the available evidence, this variant is classified as Pathogenic.

Baylor Genetics
Classification: Pathogenic for Retinitis pigmentosa 25. Last evaluated: 2023-10-10. Review status: criteria provided, single submitter. Criteria: ACMG Guidelines, 2015. Collection method: clinical testing. Allele origin: unknown.

Labcorp Genetics (formerly Invitae), Labcorp
Classification: Pathogenic. Last evaluated: 2023-10-06. Review status: criteria provided, single submitter. Criteria: Invitae Variant Classification Sherloc (09022015). Collection method: clinical testing. Allele origin: germline.
Comment: This sequence change creates a premature translational stop signal (p.Asn2803Lysfs*9) in the EYS gene. While this is not anticipated to result in nonsense mediated decay, it is expected to disrupt the last 342 amino acid(s) of the EYS protein. This variant is present in population databases (rs398123576, gnomAD 0.01%). This premature translational stop signal has been observed in individuals with retinitis pigmentosa (PMID: 23591405, 28704921; Invitae). ClinVar contains an entry for this variant (Variation ID: 93622). This variant disrupts a region of the EYS protein in which other variant(s) (p.Val3096Leufs*28) have been determined to be pathogenic (PMID: 24474277, 26261414, 29550188). This suggests that this is a clinically significant region of the protein, and that variants that disrupt it are likely to be disease-causing. For these reasons, this variant has been classified as Pathogenic.

Mendelics
Classification: Pathogenic for Retinitis pigmentosa 25. Last evaluated: 2022-05-04. Review status: criteria provided, single submitter. Criteria: Mendelics Assertion Criteria 2019. Collection method: clinical testing. Allele origin: germline.

Blueprint Genetics
Classification: Pathogenic for EYS-related disorders. Last evaluated: 2022-04-04. Review status: criteria provided, single submitter. Criteria: ACMG Guidelines, 2015. Collection method: clinical testing. Allele origin: germline. Affected: yes. Observed: 5 variant alleles.

Eurofins Ntd Llc (ga)
Classification: Pathogenic. Last evaluated: 2013-09-10. Review status: criteria provided, single submitter. Criteria: EGL Classification Definitions. Collection method: clinical testing. Allele origin: germline. Observed: 1 variant allele, 1 heterozygote.

Literature cited by the submitters: PubMed 32531858 (cited by Natera, Inc.); PubMed 28704921 (cited by Natera, Inc. and Labcorp Genetics (formerly Invitae), Labcorp); PubMed 23591405 (cited by Labcorp Genetics (formerly Invitae), Labcorp); PubMed 24474277 (cited by Labcorp Genetics (formerly Invitae), Labcorp); PubMed 26261414 (cited by Labcorp Genetics (formerly Invitae), Labcorp); PubMed 29550188 (cited by Labcorp Genetics (formerly Invitae), Labcorp); PubMed 23757202 (cited by Eurofins Ntd Llc (ga)).

NM_001142800.2(EYS):c.8408dup (p.Asn2803fs)

Genes: EYS (EGF-like photoreceptor maintenance factor; minus strand), PHF3 (PHD finger protein 3; plus strand). Cytogenetic location: 6q12.
Variant type: Duplication.
Coding change: c.8408dup on transcript NM_001142800.2 (MANE Select); coding-DNA position 8408, one base duplicated (A; older notation c.8408dupA).
Protein change: p.Asn2803fs; shifts the reading frame from asparagine 2803.
Molecular consequence: frameshift variant. On other transcripts: 3 prime UTR variant (5).
Genome position (GRCh38, 1-based): chr6:63,721,623, T duplicated on the plus strand (A on the coding strand, the reverse complement: EYS is on the minus strand); the first of 3 consecutive T bases (chr6:63,721,623-63,721,625); duplicating any one gives the same sequence. VCF-style (leftmost placement, unchanged base first): chr6-63721622-A-AT. GRCh37 (hg19) VCF-style: chr6-64431518-A-AT.
Other names: c.8408dup (NM_001142800.1); c.*7917dup (NM_001290259.2, NM_001370348.2, NM_001370349.2 and 2 more transcripts); c.8471dup, p.Asn2824fs (NM_001292009.2); short protein forms N2803fs, N2824fs.
Identifiers: ClinVar variation 93622 (VCV000093622.18), dbSNP rs398123576, ClinGen allele CA221549.